The following is an entry in ClinVar:

NM_000535.7(PMS2):c.2239A>T (p.Arg747Ter)

Gene: PMS2 (PMS1 homolog 2, mismatch repair system component; minus strand). Cytogenetic location: 7p22.1.
Variant type: single nucleotide variant.
Coding change: c.2239A>T on transcript NM_000535.7 (MANE Select); coding-DNA position 2239, A replaced by T.
Protein change: p.Arg747Ter; replaces arginine 747 with a stop codon.
Molecular consequence: nonsense. On other transcripts: non-coding transcript variant (1).
Genome position (GRCh38, 1-based): chr7:5,978,632, T>A on the plus strand (A>T on the coding strand, the complement: PMS2 is on the minus strand). VCF-style: chr7-5978632-T-A. GRCh37 (hg19) VCF-style: chr7-6018263-T-A.
Other names: c.1834A>T, p.Arg612Ter (NM_001322003.2, NM_001322004.2, NM_001322005.2 and 1 more transcripts); c.2083A>T, p.Arg695Ter (NM_001322006.2); c.1921A>T, p.Arg641Ter (NM_001322007.2, NM_001322008.2); c.1678A>T, p.Arg560Ter (NM_001322010.2); c.1306A>T, p.Arg436Ter (NM_001322011.2, NM_001322012.2); c.1666A>T, p.Arg556Ter (NM_001322013.2); c.2239A>T, p.Arg747Ter (NM_001322014.2); c.1930A>T, p.Arg644Ter (NM_001322015.2); short protein forms R747*, R641*, R556*, R695*, R436*, R560*, R612*, R644*.
Identifiers: ClinVar variation 504753 (VCV000504753.11), dbSNP rs1554294448, ClinGen allele CA366736632.

ClinVar aggregate classification (germline): Pathogenic. Review status: criteria provided, multiple submitters, no conflicts (2 of 4 stars). 4 submissions from 4 submitters: Pathogenic (4). Last evaluated 2024-11-01.

Conditions:
Lynch syndrome. Identifiers: Orphanet 144, MedGen C4552100, MONDO:0005835. Disease mechanism: loss of function.
Hereditary nonpolyposis colorectal neoplasms. Identifiers: MedGen C0009405, MeSH D003123.
Hereditary cancer-predisposing syndrome. Also called: Neoplastic Syndromes, Hereditary; Hereditary Cancer Syndrome; Tumor predisposition; Hereditary neoplastic syndrome. Identifiers: Orphanet 140162, MedGen C0027672, MeSH D009386, MONDO:0015356.
Lynch syndrome 4 (LYNCH4). Also called: Colorectal cancer, hereditary nonpolyposis, type 4; Hereditary non-polyposis colorectal cancer, type 4. Identifiers: Orphanet 144, MedGen C1838333, MONDO:0013699, OMIM 614337. Disease mechanism: loss of function.

Submissions (4):

Labcorp Genetics (formerly Invitae), Labcorp
Classification: Pathogenic for Hereditary nonpolyposis colorectal neoplasms. Last evaluated: 2024-11-01. Review status: criteria provided, single submitter. Criteria: Invitae Variant Classification Sherloc (09022015). Collection method: clinical testing. Allele origin: germline.
Comment: This sequence change creates a premature translational stop signal (p.Arg747*) in the PMS2 gene. It is expected to result in an absent or disrupted protein product. Loss-of-function variants in PMS2 are known to be pathogenic (PMID: 21376568, 24362816). The frequency data for this variant in the population databases (gnomAD) is considered unreliable due to the presence of homologous sequence, such as pseudogenes or paralogs, in the genome. This premature translational stop signal has been observed in individual(s) with Lynch syndrome (PMID: 30729418). ClinVar contains an entry for this variant (Variation ID: 504753). For these reasons, this variant has been classified as Pathogenic.

Myriad Genetics, Inc.
Classification: Pathogenic for Lynch syndrome 4. Last evaluated: 2023-09-22. Review status: criteria provided, single submitter. Criteria: Myriad Autosomal Dominant, Autosomal Recessive and X-Linked Classification Criteria (2023). Collection method: clinical testing. Allele origin: unknown.
Comment: This variant is considered pathogenic. This variant creates a termination codon and is predicted to result in premature protein truncation.

Ambry Genetics
Classification: Pathogenic for Hereditary cancer-predisposing syndrome. Last evaluated: 2021-12-07. Review status: criteria provided, single submitter. Criteria: Ambry Variant Classification Scheme 2023. Collection method: clinical testing. Allele origin: germline.
Comment: The p.R747* pathogenic mutation (also known as c.2239A>T), located in coding exon 13 of the PMS2 gene, results from an A to T substitution at nucleotide position 2239. This changes the amino acid from an arginine to a stop codon within coding exon 13. This mutation has been reported in an individual from colorectal cancer cohort suspicious for Lynch syndrome (Clarke EV et al. Fam Cancer 2019 07;18(3):317-325). This alteration is expected to result in loss of function by premature protein truncation or nonsense-mediated mRNA decay. As such, this alteration is interpreted as a disease-causing mutation.

Laboratory for Molecular Medicine, Mass General Brigham Personalized Medicine
Classification: Pathogenic for Lynch syndrome. Last evaluated: 2017-06-12. Review status: criteria provided, single submitter. Criteria: LMM Criteria. Collection method: clinical testing. Allele origin: germline. Inheritance: Autosomal dominant inheritance. Observed: 1 variant allele.
Comment: The p.Arg747X variant in PMS2 has not been previously reported in individuals wi th Lynch syndrome or in large population studies. This nonsense variant leads to a premature termination codon at position 747, which is predicted to lead to a truncated or absent protein. Heterozygous loss of function of the PMS2 gene is a n established disease mechanism in Lynch syndrome. In summary, this variant meet s criteria to be classified as pathogenic for Lynch syndrome in an autosomal dom inant manner based upon its predicted impact on the protein and absence in contr ols.

Literature cited by the submitters: PubMed 21376568 (cited by Labcorp Genetics (formerly Invitae), Labcorp); PubMed 24362816 (cited by Labcorp Genetics (formerly Invitae), Labcorp); PubMed 30729418 (cited by Labcorp Genetics (formerly Invitae), Labcorp).